The following is an entry in ClinVar:

ClinVar aggregate classification (germline): Uncertain significance (1 of 4 stars; one submission).

Conditions:
Syndromic multisystem autoimmune disease due to ITCH deficiency. Also called: AUTOIMMUNE DISEASE, MULTISYSTEM, WITH FACIAL DYSMORPHISM. Identifiers: Orphanet 228426, MedGen C3150649, MONDO:0013245, OMIM 613385.

Submission:

Labcorp Genetics (formerly Invitae), Labcorp
Classification: Uncertain significance for Syndromic multisystem autoimmune disease due to ITCH deficiency. Last evaluated: 2021-08-09. Review status: criteria provided, single submitter. Criteria: Invitae Variant Classification Sherloc (09022015). Collection method: clinical testing. Allele origin: germline.
Comment: This variant has not been reported in the literature in individuals affected with ITCH-related conditions. In summary, the available evidence is currently insufficient to determine the role of this variant in disease. Therefore, it has been classified as a Variant of Uncertain Significance. Algorithms developed to predict the effect of missense changes on protein structure and function are either unavailable or do not agree on the potential impact of this missense change (SIFT: "Not Available"; PolyPhen-2: "Benign"; Align-GVGD: "Not Available"). This variant is not present in population databases (ExAC no frequency). This sequence change replaces lysine with threonine at codon 17 of the ITCH protein (p.Lys17Thr). The lysine residue is moderately conserved and there is a moderate physicochemical difference between lysine and threonine.

NM_031483.7(ITCH):c.50A>C (p.Lys17Thr)

Gene: ITCH (itchy E3 ubiquitin protein ligase; plus strand). Cytogenetic location: 20q11.22.
Variant type: single nucleotide variant.
Coding change: c.50A>C on transcript NM_031483.7 (MANE Select); coding-DNA position 50, A replaced by C.
Protein change: p.Lys17Thr; replaces lysine 17 with threonine.
Molecular consequence: missense variant. On other transcripts: 5 prime UTR variant (1).
Genome position (GRCh38, 1-based): chr20:34,393,861, A>C. VCF-style: chr20-34393861-A-C. GRCh37 (hg19) VCF-style: chr20-32981667-A-C.
Other names: c.50A>C, p.Lys17Thr (NM_001257137.3, NM_001324197.2, NM_001324198.2); c.-139A>C (NM_001257138.3); short protein forms K17T.
Identifiers: ClinVar variation 1373709 (VCV001373709.6), dbSNP rs2146076119, ClinGen allele CA408660687.